The following is an entry in ClinVar:

NM_020919.4(ALS2):c.878C>G (p.Thr293Ser)

Gene: ALS2 (alsin Rho guanine nucleotide exchange factor ALS2; minus strand). Cytogenetic location: 2q33.1.
Variant type: single nucleotide variant.
Coding change: c.878C>G on transcript NM_020919.4 (MANE Select); coding-DNA position 878, C replaced by G.
Protein change: p.Thr293Ser; replaces threonine 293 with serine.
Molecular consequence: missense variant.
Genome position (GRCh38, 1-based): chr2:201,761,116, G>C on the plus strand (C>G on the coding strand, the complement: ALS2 is on the minus strand). VCF-style: chr2-201761116-G-C. GRCh37 (hg19) VCF-style: chr2-202625839-G-C.
Other names: c.878C>G, p.Thr293Ser (NM_001135745.2); short protein forms T293S.
Identifiers: ClinVar variation 1309867 (VCV001309867.4), dbSNP rs537187775, ClinGen allele CA2058585.

ClinVar aggregate classification (germline): Uncertain significance. Review status: criteria provided, multiple submitters, no conflicts (2 of 4 stars). 2 submissions from 2 submitters: Uncertain significance (2). Last evaluated 2023-05-03.

Conditions:
Inborn genetic diseases. Identifiers: MedGen C0950123, MeSH D030342.

Allele frequency attached by ClinVar (database versions not stated): 1000 Genomes Project 30x 0.00016; 1000 Genomes Project 0.00020.
gnomAD v4.1: 13 of 1,614,210 alleles (0.00081%); highest among the groups gnomAD compares: East Asian, 0.029%; no homozygotes.

Submissions (2):

Ambry Genetics
Classification: Uncertain significance for Inborn genetic diseases. Last evaluated: 2023-05-03. Review status: criteria provided, single submitter. Criteria: Ambry Variant Classification Scheme 2023. Collection method: clinical testing. Allele origin: germline.

GeneDx
Classification: Uncertain significance. Last evaluated: 2019-11-01. Review status: criteria provided, single submitter. Criteria: GeneDx Variant Classification Process June 2021. Collection method: clinical testing. Allele origin: germline. Affected: yes.
Comment: In silico analysis, which includes protein predictors and evolutionary conservation, supports that this variant does not alter protein structure/function; Has not been previously published as pathogenic or benign to our knowledge